The following is an entry in ClinVar:

NM_016239.4(MYO15A):c.5693G>A (p.Arg1898Gln)

Gene: MYO15A (myosin XVA; plus strand). Cytogenetic location: 17p11.2.
Variant type: single nucleotide variant.
Coding change: c.5693G>A on transcript NM_016239.4 (MANE Select); coding-DNA position 5693, G replaced by A.
Protein change: p.Arg1898Gln; replaces arginine 1898 with glutamine.
Molecular consequence: missense variant.
Genome position (GRCh38, 1-based): chr17:18,142,122, G>A. VCF-style: chr17-18142122-G-A. GRCh37 (hg19) VCF-style: chr17-18045436-G-A.
Other names: short protein forms R1898Q.
Identifiers: ClinVar variation 228958 (VCV000228958.9), dbSNP rs756752580, ClinGen allele CA10577019.
Genomic context (GRCh38, chr17:18,142,122, plus strand): 5'-CTTCCTCCTGTCCTTAGCTGTTCCTTAAGGAACACCTATACCAGCTGCTGGAGAGTATGC[G>A]AGAGCATGTCCTGAATCTGGCAGCCCTCACTCTGCAGCGCTGCCTCCGTGGCTTCTTCAT-3'
Protein context (NP_057323.3, residues 1888-1908): EHLYQLLESM[Arg1898Gln]EHVLNLAALT

ClinVar aggregate classification (germline): Conflicting classifications of pathogenicity. Review status: criteria provided, conflicting classifications (1 of 4 stars). 5 submissions from 5 submitters: Likely pathogenic (1); Uncertain significance (4). Last evaluated 2024-09-05.

Conditions:
Autosomal recessive nonsyndromic hearing loss 3. Also called: NEUROSENSORY NONSYNDROMIC RECESSIVE DEAFNESS 3. Identifiers: Orphanet 90636, MedGen C1838263, MONDO:0010860, OMIM 600316.

Allele frequency attached by ClinVar (database versions not stated): gnomAD 0.00001; TOPMed 0.00001.
gnomAD v4.1: 12 of 1,613,622 alleles (0.00074%); highest among the groups gnomAD compares: South Asian, 0.0011%; no homozygotes.

Submissions (5):

Labcorp Genetics (formerly Invitae), Labcorp
Classification: Uncertain significance. Last evaluated: 2024-09-05. Review status: criteria provided, single submitter. Criteria: Invitae Variant Classification Sherloc (09022015). Collection method: clinical testing. Allele origin: germline.
Comment: This sequence change replaces arginine, which is basic and polar, with glutamine, which is neutral and polar, at codon 1898 of the MYO15A protein (p.Arg1898Gln). This variant is present in population databases (no rsID available, gnomAD 0.003%). This missense change has been observed in individuals with deafness (PMID: 34062854, 34795337, 36504663, 36597107). ClinVar contains an entry for this variant (Variation ID: 228958). Invitae Evidence Modeling of protein sequence and biophysical properties (such as structural, functional, and spatial information, amino acid conservation, physicochemical variation, residue mobility, and thermodynamic stability) has been performed for this missense variant. However, the output from this modeling did not meet the statistical confidence thresholds required to predict the impact of this variant on MYO15A protein function. In summary, the available evidence is currently insufficient to determine the role of this variant in disease. Therefore, it has been classified as a Variant of Uncertain Significance.

GeneDx
Classification: Likely pathogenic. Last evaluated: 2023-05-10. Review status: criteria provided, single submitter. Criteria: GeneDx Variant Classification Process June 2021. Collection method: clinical testing. Allele origin: germline. Affected: yes.
Comment: Not observed at significant frequency in large population cohorts (gnomAD); In silico analysis supports that this missense variant has a deleterious effect on protein structure/function; This variant is associated with the following publications: (PMID: 34062854, 34795337)

Neurogenetic Laboratory, Second Faculty of Medicine, Charles University
Classification: Uncertain significance for Autosomal recessive nonsyndromic hearing loss 3. Last evaluated: 2021-03-30. Review status: criteria provided, single submitter. Criteria: ClinGen HL ACMG Specifications v1. Collection method: clinical testing. Allele origin: germline. Affected: yes.

Laboratory for Molecular Medicine, Mass General Brigham Personalized Medicine
Classification: Uncertain significance. Last evaluated: 2015-12-24. Review status: criteria provided, single submitter. Criteria: LMM Criteria. Collection method: clinical testing. Allele origin: germline. Observed: 1 variant allele.
Comment: The p.Arg1898Gln variant in MYO15A has not been previously reported in individua ls with hearing loss and was absent from large population studies. Computational prediction tools and conservation analyses suggest that the p.Arg1898Gln varian t may impact the protein, though this information is not predictive enough to de termine pathogenicity. In summary, the clinical significance of the p.Arg1898Gln variant is uncertain.

Neuberg Centre For Genomic Medicine, NCGM
Classification: Uncertain significance for Autosomal recessive nonsyndromic hearing loss 3. Review status: criteria provided, single submitter. Criteria: ACMG Guidelines, 2015. Collection method: clinical testing. Allele origin: germline. Inheritance: Autosomal recessive inheritance. Affected: yes.
Comment: The missense c.5693G>Ap.Arg1898Gln variant in MYO15A gene has been reported previously in homozygous or compound heterozygous state in individuals affected with sensorineural hearing loss SNHL Pavlenkova et al., 2021. This variant is reported with the allele frequency of 0.0004% in the gnomAD Exomes and novel in 1000 Genomes. This variant has been reported to the ClinVar database as Uncertain Significance multiple submitters. However, no details are available for independent assessment. The variant is predicted as damaging by SIFT. The amino acid Arg at position 1898 is changed to a Gln changing protein sequence and it might alter its composition and physico-chemical properties. The amino acid change p.Arg1898Gln in MYO15A is predicted as conserved by GERP++ and PhyloP across 100 vertebrates. For these reasons, this variant has been classified as Uncertain Significance.

Literature cited by the submitters: PubMed 34062854 (cited by Labcorp Genetics (formerly Invitae), Labcorp); PubMed 34795337 (cited by Labcorp Genetics (formerly Invitae), Labcorp); PubMed 36504663 (cited by Labcorp Genetics (formerly Invitae), Labcorp); PubMed 36597107 (cited by Labcorp Genetics (formerly Invitae), Labcorp).